The following is an entry in ClinVar:

ClinVar aggregate classification (germline): Uncertain significance (1 of 4 stars; one submission).

Conditions:
GNAS-related disorder. Identifiers: MedGen CN380105.

Allele frequency attached by ClinVar (database versions not stated): ExAC 0.00024; TOPMed 0.00002; gnomAD 0.00001.
gnomAD v4.1: 39 of 1,566,348 alleles (0.0025%); highest among the groups gnomAD compares: Non-Finnish European, 0.0034%; no homozygotes.

Submission:

PreventionGenetics, part of Exact Sciences
Classification: Uncertain significance for GNAS-related condition. Last evaluated: 2022-09-19. Review status: criteria provided, single submitter. Criteria: ACMG Guidelines, 2015. Collection method: clinical testing. Allele origin: germline.
Comment: The GNAS c.1516C>T variant is predicted to result in the amino acid substitution p.Arg506Trp. In the primary transcript (NM_000516.5), this variant is found within a non-coding region (c.-36946C>T). To our knowledge, this variant has not been reported in the literature. This variant is reported in 0.011% of alleles in individuals of African descent in gnomAD. Although we suspect that this variant may be benign, at this time, the clinical significance of this variant is uncertain due to the absence of conclusive functional and genetic evidence.

NM_080425.4(GNAS):c.1516C>T (p.Arg506Trp)

Gene: GNAS (GNAS complex locus; plus strand). Cytogenetic location: 20q13.32.
Variant type: single nucleotide variant.
Coding change: c.1516C>T on transcript NM_080425.4 (MANE Plus Clinical); coding-DNA position 1516, C replaced by T.
Protein change: p.Arg506Trp; replaces arginine 506 with tryptophan.
Molecular consequence: missense variant. On other transcripts: synonymous variant (2), intron variant (3).
Genome position (GRCh38, 1-based): chr20:58,854,781, C>T. VCF-style: chr20-58854781-C-T. GRCh37 (hg19) VCF-style: chr20-57429836-C-T.
Other names: c.1329C>T, p.Pro443= (NM_001077490.3, NM_001309883.1); c.1516C>T, p.Arg506Trp (NM_001410913.1); c.*42+13895C>T (NM_016592.5); c.43+13895C>T (NM_001410912.1); c.-39+12906C>T (NM_001309861.2); short protein forms R506W.
Identifiers: ClinVar variation 2635756 (VCV002635756.1), dbSNP rs760326876, ClinGen allele CA9926701.